The following is an entry in ClinVar:

ClinVar aggregate classification (germline): Uncertain significance (1 of 4 stars; one submission).

Conditions:
Cystic fibrosis (CF). Also called: MUCOVISCIDOSIS. Identifiers: Orphanet 586, MedGen C0010674, MONDO:0009061, OMIM 219700. Disease mechanism: loss of function.

Submission:

Labcorp Genetics (formerly Invitae), Labcorp
Classification: Uncertain significance for Cystic fibrosis. Last evaluated: 2025-11-24. Review status: criteria provided, single submitter. Criteria: Invitae Variant Classification Sherloc (09022015). Collection method: clinical testing. Allele origin: germline.
Comment: This sequence change replaces arginine, which is basic and polar, with serine, which is neutral and polar, at codon 258 of the CFTR protein (p.Arg258Ser). This variant is not present in population databases (gnomAD no frequency). This variant has not been reported in the literature in individuals affected with CFTR-related conditions. ClinVar contains an entry for this variant (Variation ID: 3709525). Invitae Evidence Modeling of protein sequence and biophysical properties (such as structural, functional, and spatial information, amino acid conservation, physicochemical variation, residue mobility, and thermodynamic stability) indicates that this missense variant is expected to disrupt CFTR protein function with a positive predictive value of 80%. This variant disrupts the p.Arg258 amino acid residue in CFTR. Other variant(s) that disrupt this residue have been determined to be pathogenic (PMID: 7529962, 10376575, 11466205, 19810821). This suggests that this residue is clinically significant, and that variants that disrupt this residue are likely to be disease-causing. In summary, the available evidence is currently insufficient to determine the role of this variant in disease. Therefore, it has been classified as a Variant of Uncertain Significance.

Literature cited by the submitters: PubMed 7529962; PubMed 10376575; PubMed 11466205; PubMed 19810821.

NM_000492.4(CFTR):c.774A>C (p.Arg258Ser)

Gene: CFTR (CF transmembrane conductance regulator; plus strand). Cytogenetic location: 7q31.2.
Variant type: single nucleotide variant.
Coding change: c.774A>C on transcript NM_000492.4 (MANE Select); coding-DNA position 774, A replaced by C.
Protein change: p.Arg258Ser; replaces arginine 258 with serine.
Molecular consequence: missense variant.
Genome position (GRCh38, 1-based): chr7:117,536,578, A>C. VCF-style: chr7-117536578-A-C. GRCh37 (hg19) VCF-style: chr7-117176632-A-C.
Other names: short protein forms R258S.
Identifiers: ClinVar variation 3709525 (VCV003709525.2).